The following is an entry in ClinVar:

NM_001042492.3(NF1):c.1062G>A (p.Lys354=)

Gene: NF1 (neurofibromin 1; plus strand). Cytogenetic location: 17q11.2.
Variant type: single nucleotide variant.
Coding change: c.1062G>A on transcript NM_001042492.3 (MANE Select); coding-DNA position 1062, G replaced by A.
Protein change: p.Lys354=; no amino-acid change (lysine 354 retained).
Molecular consequence: synonymous variant.
Genome position (GRCh38, 1-based): chr17:31,200,595, G>A. VCF-style: chr17-31200595-G-A. GRCh37 (hg19) VCF-style: chr17-29527613-G-A.
Other names: c.1062G>A, p.Lys354= (NM_000267.4, NM_001128147.3).
Identifiers: ClinVar variation 428998 (VCV000428998.17), dbSNP rs1131691118, ClinGen allele CA499218806.
Genomic context (GRCh38, chr17:31,200,595, plus strand): 5'-CAATTGGGAAGATAACTCTGTCATTTTCCTACTTGTTCAGTCCATGGTGGTTGATCTTAA[G>A]GTAACATGCTTATTCTTTCTCTACTACAAACTTTAAGAAAATTAAATGAATTTTCTAGCA-3'
Protein context (NP_001035957.1, residues 344-364): LLVQSMVVDL[Lys354=]NLLFNPSKPF

ClinVar aggregate classification (germline): Pathogenic/Likely pathogenic. Review status: criteria provided, multiple submitters, no conflicts (2 of 4 stars). 7 submissions from 7 submitters: Pathogenic (2); Likely pathogenic (5). Last evaluated 2026-05-28.

Conditions:
Cardiovascular phenotype. Identifiers: MedGen CN230736.
Hereditary cancer-predisposing syndrome. Also called: Hereditary Cancer Syndrome; Tumor predisposition; Hereditary neoplastic syndrome; Neoplastic Syndromes, Hereditary. Identifiers: Orphanet 140162, MedGen C0027672, MeSH D009386, MONDO:0015356.
Neurofibromatosis, type 1 (NF1). Also called: Neurofibromatosis, type I; Peripheral type neurofibromatosis; VON RECKLINGHAUSEN DISEASE; NEUROFIBROMATOSIS, TYPE I, SOMATIC. Identifiers: Orphanet 636, MedGen C0027831, MONDO:0018975, OMIM 162200. Disease mechanism: loss of function.

Submissions (7):

GeneDx
Classification: Likely pathogenic. Last evaluated: 2026-05-28. Review status: criteria provided, single submitter. Criteria: GeneDx Variant Classification Process June 2021. Collection method: clinical testing. Allele origin: germline.
Comment: Located at the last nucleotide of the exon, and demonstrated to result in abnormal splicing leading to an in-frame deletion of the adjacent exon (PMID: 10712197, 16825284, 18546366); Not observed at significant frequency in large population cohorts (gnomAD); This variant is associated with the following publications: (PMID: 39843441, 25525159, 16825284, 29673180, 9536098, 11967553, 17576681, 18546366, 10712197)

Labcorp Genetics (formerly Invitae), Labcorp
Classification: Pathogenic for Neurofibromatosis, type 1. Last evaluated: 2025-03-18. Review status: criteria provided, single submitter. Criteria: Invitae Variant Classification Sherloc (09022015). Collection method: clinical testing. Allele origin: germline.
Comment: This sequence change affects codon 354 of the NF1 mRNA. It is a 'silent' change, meaning that it does not change the encoded amino acid sequence of the NF1 protein. RNA analysis indicates that this variant induces altered splicing and likely results in a shortened protein product. This variant is not present in population databases (gnomAD no frequency). This variant has been observed in individual(s) with neurofibromatosis type 1 (PMID: 10712197, 29673180). ClinVar contains an entry for this variant (Variation ID: 428998). Variants that disrupt the consensus splice site are a relatively common cause of aberrant splicing (PMID: 17576681, 9536098). Studies have shown that this variant results in skipping of 9, but is expected to preserve the integrity of the reading-frame (PMID: 10712197, 18546366). For these reasons, this variant has been classified as Pathogenic.

Institute of Medical Genetics and Applied Genomics, University Hospital Tübingen
Classification: Likely pathogenic for Neurofibromatosis, type 1. Last evaluated: 2024-07-30. Review status: criteria provided, single submitter. Criteria: ACMG Guidelines, 2015. Collection method: clinical testing. Allele origin: germline. Inheritance: Autosomal dominant inheritance. Affected: yes.

3billion
Classification: Likely pathogenic for Neurofibromatosis, type 1. Last evaluated: 2022-09-01. Review status: criteria provided, single submitter. Criteria: ACMG Guidelines, 2015. Collection method: clinical testing. Allele origin: germline. Affected: yes. Observed: 1 heterozygote.
Comment: The variant is not observed in the gnomAD v2.1.1 dataset. Functional studies provide supporting evidence of the variant having a damaging effect on the gene or gene product (PMID: 18546366). In silico tools predict the variant to alter splicing and produce an abnormal transcript (SpliceAI: 0.82). The variant has been reported at least twice as pathogenic without evidence for the classification (ClinVar ID: VCV000428998). Therefore, this variant is classified as Likely pathogenic according to the recommendation of ACMG/AMP guideline.

MGZ Medical Genetics Center
Classification: Likely pathogenic for Neurofibromatosis, type 1. Last evaluated: 2022-08-25. Review status: criteria provided, single submitter. Criteria: ACMG Guidelines, 2015. Collection method: clinical testing. Allele origin: germline. Affected: yes. Observed: 1 variant allele.
Comment: ACMG criteria applied: PS3, PS4_MOD, PM2_SUP, PP3

Genome-Nilou Lab
Classification: Pathogenic for Neurofibromatosis, type 1. Last evaluated: 2022-03-15. Review status: criteria provided, single submitter. Criteria: ACMG Guidelines, 2015. Collection method: clinical testing. Allele origin: germline. Affected: no.

Ambry Genetics
Classification: Likely pathogenic for Cardiovascular phenotype; Hereditary cancer-predisposing syndrome. Last evaluated: 2016-06-06. Review status: criteria provided, single submitter. Criteria: Ambry Variant Classification Scheme 2023. Collection method: clinical testing. Allele origin: germline.
Comment: The c.1062G>A variant (also known as p.K354K), located in coding exon 9 of the NF1 gene, results from a G to A substitution at nucleotide position 1062. This nucleotide substitution does not change the lysine at codon 354. However, this change occurs in the last base pair of coding exon 9, which makes it likely to have some effect on normal mRNA splicing. This variant was shown to have an effect on splicing at the mRNA level resulting in the in-frame skipping of exon 9. In addition, this variant was found in one individual who met diagnostic criteria and another individual whose phenotype was clinically suspicious for neurofibromatosis type 1 (Fahsold et al., Am. J. Hum. Genet. 2000 Mar; 66(3):790-818; Pros et al., Hum. Mutat. 2008 Sep; 29(9):E173-93). Based on the majority of available evidence to date, this variant is likely to be pathogenic.

Literature cited by the submitters: PubMed 10712197 (cited by Labcorp Genetics (formerly Invitae), Labcorp); PubMed 29673180 (cited by Labcorp Genetics (formerly Invitae), Labcorp); PubMed 17576681 (cited by Labcorp Genetics (formerly Invitae), Labcorp); PubMed 9536098 (cited by Labcorp Genetics (formerly Invitae), Labcorp); PubMed 18546366 (cited by Labcorp Genetics (formerly Invitae), Labcorp and 3billion).